The following is an entry in ClinVar:

ClinVar aggregate classification (germline): Uncertain significance (1 of 4 stars; one submission).

Submission:

GeneDx
Classification: Uncertain significance. Last evaluated: 2022-10-17. Review status: criteria provided, single submitter. Criteria: GeneDx Variant Classification Process June 2021. Collection method: clinical testing. Allele origin: germline. Affected: yes.
Comment: Not observed at significant frequency in large population cohorts (gnomAD); In silico analysis supports a deleterious effect on protein structure/function; Has not been previously published as pathogenic or benign to our knowledge

NM_012330.4(KAT6B):c.794_795inv (p.Gln265Pro)

Gene: KAT6B (lysine acetyltransferase 6B; plus strand). Cytogenetic location: 10q22.2.
Variant type: Inversion.
Coding change: c.794_795inv on transcript NM_012330.4 (MANE Select).
Protein change: p.Gln265Pro; replaces glutamine 265 with proline.
Molecular consequence: missense variant. On other transcripts: intron variant (2).
Genome position: GRCh38 VCF-style: chr10-74969723-AG-CT. GRCh37 (hg19) VCF-style: chr10-76729481-AG-CT.
Other names: c.794_795inv, p.Gln265Pro (NM_001256468.2, NM_001256469.2, NM_001370132.1 and 10 more transcripts); c.193-9501_193-9500inv (NM_001370134.1); c.192+9645_192+9646inv (NM_001370135.1); short protein forms Q265P.
Identifiers: ClinVar variation 2499387 (VCV002499387.1), ClinGen allele CA2580081959.